The following is an entry in ClinVar:

ClinVar aggregate classification (germline): Benign. Review status: criteria provided, multiple submitters, no conflicts (2 of 4 stars). 2 submissions from 2 submitters: Benign (2). Last evaluated 2018-06-19.

Allele frequency attached by ClinVar (database versions not stated): 1000 Genomes Project 0.27356; gnomAD 0.34263 and 0.34451.
gnomAD v4.1: 24,679 of 71,658 alleles (34%); highest among the groups gnomAD compares: Middle Eastern, 56%; 4,769 homozygotes.

Submissions (2):

GeneDx
Classification: Benign. Last evaluated: 2018-06-19. Review status: criteria provided, single submitter. Criteria: GeneDx Variant Classification (06012015). Collection method: clinical testing. Allele origin: germline. Affected: yes.
Comment: This variant is considered likely benign or benign based on one or more of the following criteria: it is a conservative change, it occurs at a poorly conserved position in the protein, it is predicted to be benign by multiple in silico algorithms, and/or has population frequency not consistent with disease.

Breakthrough Genomics
Classification: Benign. Review status: criteria provided, single submitter. Criteria: ACMG Guidelines, 2015. Collection method: not provided. Allele origin: germline. Inheritance: Autosomal recessive inheritance. Affected: yes.

NM_002768.5(CHMP1A):c.253-283A>G

Gene: CHMP1A (charged multivesicular body protein 1A; minus strand). Cytogenetic location: 16q24.3.
Variant type: single nucleotide variant.
Coding change: c.253-283A>G on transcript NM_002768.5 (MANE Select); 283 bases into the intron before coding-DNA position 253, A replaced by G.
Molecular consequence: intron variant.
Genome position (GRCh38, 1-based): chr16:89,647,614, T>C on the plus strand (A>G on the coding strand, the complement: CHMP1A is on the minus strand). VCF-style: chr16-89647614-T-C. GRCh37 (hg19) VCF-style: chr16-89714022-T-C.
Other names: c.233-283A>G (NM_001083314.4).
Identifiers: ClinVar variation 668088 (VCV000668088.2), dbSNP rs2460457, ClinGen allele CA286551039.